The following is an entry in ClinVar:

ClinVar aggregate classification (germline): Pathogenic (1 of 4 stars; one submission).

Conditions:
Epidermolysis bullosa simplex 3, localized or generalized intermediate, with BP230 deficiency (EBS3). Also called: Epidermolysis bullosa simplex due to BP230 deficiency; Epidermolysis bullosa simplex, autosomal recessive 2. Identifiers: Orphanet 412181, MedGen C3809470, MONDO:0014180, OMIM 615425.
Hereditary sensory and autonomic neuropathy type 6. Also called: HSAN VI; Neuropathy, hereditary sensory and autonomic, type VI. Identifiers: Orphanet 314381, MedGen C3539003, MONDO:0013839, OMIM 614653.

Submission:

Labcorp Genetics (formerly Invitae), Labcorp
Classification: Pathogenic for Epidermolysis bullosa simplex 3, localized or generalized intermediate, with BP230 deficiency; Hereditary sensory and autonomic neuropathy type 6. Last evaluated: 2021-03-05. Review status: criteria provided, single submitter. Criteria: Invitae Variant Classification Sherloc (09022015). Collection method: clinical testing. Allele origin: germline.
Comment: This variant has not been reported in the literature in individuals with DST-related conditions. For these reasons, this variant has been classified as Pathogenic. This sequence change creates a premature translational stop signal (p.Thr1397Asnfs*4) in the DST gene. It is expected to result in an absent or disrupted protein product. Loss-of-function variants in DST are known to be pathogenic (PMID: 22522446, 25059916, 30371979). This variant is present in population databases (rs772099949, ExAC 0.006%).

Literature cited by the submitters: PubMed 22522446; PubMed 25059916; PubMed 30371979.

NM_001723.7(DST):c.4189dup (p.Thr1397fs)

Gene: DST (dystonin; minus strand). Cytogenetic location: 6p12.1.
Variant type: Duplication.
Coding change: c.4189dup on transcript NM_001723.7 (MANE Plus Clinical); coding-DNA position 4189, one base duplicated (A; older notation c.4189dupA).
Protein change: p.Thr1397fs; shifts the reading frame from threonine 1397.
Molecular consequence: frameshift variant. On other transcripts: intron variant (10).
Genome position (GRCh38, 1-based): chr6:56,619,845, T duplicated on the plus strand (A on the coding strand, the reverse complement: DST is on the minus strand); the first of 6 consecutive T bases (chr6:56,619,845-56,619,850); duplicating any one gives the same sequence. VCF-style (leftmost placement, unchanged base first): chr6-56619844-G-GT. GRCh37 (hg19) VCF-style: chr6-56484642-G-GT.
Other names: c.4830+4685dup (NM_001144769.5); c.4929+4685dup (NM_001374722.1, NM_001374736.1); c.4956+4685dup (NM_001374734.1); c.4416+4685dup (NM_001144770.2); c.4296+4685dup (NM_001374730.1, NM_001386100.1, NM_183380.4 and 1 more transcripts); c.3318+4685dup (NM_015548.5); short protein forms T1397fs.
Identifiers: ClinVar variation 662480 (VCV000662480.7), dbSNP rs772099949, ClinGen allele CA3870577.